The following continues an entry in ClinVar:

NM_000520.6(HEXA):c.533G>A (p.Arg178His)

Gene: HEXA. ClinVar aggregate classification (germline): Pathogenic/Likely pathogenic. Pathogenic (21); Likely pathogenic (1).

Submissions 11 to 24 of 24:

Laboratorio de Genetica e Diagnostico Molecular, Hospital Israelita Albert Einstein
Classification: Pathogenic for Tay-Sachs disease. Last evaluated: 2022-08-01. Review status: criteria provided, single submitter. Criteria: ACMG Guidelines, 2015. Collection method: clinical testing. Allele origin: germline. Affected: yes. Observed: 3 variant alleles. Clinical features observed: Dyskinesia (HP:0100660), Cerebellar atrophy (HP:0001272), Developmental regression (HP:0002376), Absent speech (HP:0001344), Cerebral atrophy (HP:0002059), Seizure (HP:0001250), Delayed ability to walk (HP:0031936), Delayed gross motor development (HP:0002194), Generalized hypotonia (HP:0001290), Spasticity (HP:0001257), Lower limb spasticity (HP:0002061), Dysphagia (HP:0002015), and 3 more.
Comment: ACMG classification criteria: PS3 supporting, PS4 strong, PM3 strong, PP1 strong, PP3 supporting, PP4

Fulgent Genetics
Classification: Pathogenic for Tay-Sachs disease. Last evaluated: 2022-01-13. Review status: criteria provided, single submitter. Criteria: ACMG Guidelines, 2015. Collection method: clinical testing. Allele origin: unknown.

Dasa
Classification: Pathogenic for Tay-Sachs disease. Last evaluated: 2022-01-05. Review status: criteria provided, single submitter. Criteria: ACMG Guidelines, 2015. Collection method: clinical testing. Allele origin: germline. Affected: yes. Observed: 2 variant alleles.
Comment: The c.533G>A;p.(Arg178His) missense variant has been observed in affected individual(s) and ClinVar contains an entry for this variant (Clinvar ID: 3896; PMID: 18490185; 17015493; 16088929; 8730294; 7551830; 1318511; 22789865) - PS4. Well-established in vitro or in vivo functional studies support a damaging effect on the gene or gene product (PMID: 1831451) - PS3_supporting. The variant is present at low allele frequencies population databases (rs28941770– gnomAD 0.00001973%; ABraOM no frequency) - PM2_supporting. The p.(Arg178His) was detected in trans with a pathogenic variant (PMID: 17015493; 16088929; 8730294; 7551830; 22789865) - PM3_strong. Pathogenic missense variant in this residue have been reported (Clinvar ID: 3912; 3897) - PM5. The variant co-segregated with disease in multiple affected family members (PMID: 8730294) - PP1. Multiple lines of computational evidence support a deleterious effect on the gene or gene product - PP3. In summary, the currently available evidence indicates that the variant is pathogenic.

Myriad Genetics, Inc.
Classification: Pathogenic for Tay-Sachs disease. Last evaluated: 2019-12-09. Review status: criteria provided, single submitter. Criteria: Myriad Women's Health Autosomal Recessive and X-Linked Classification Criteria (2019). Collection method: clinical testing. Allele origin: unknown.
Comment: NM_000520.4(HEXA):c.533G>A(R178H) is classified as pathogenic in the context of hexosaminidase A deficiency, and is associated with the juvenile / chronic form of the disease. Sources cited for classification include the following: PMID 22441121, 17015493, 2961848, 8730294, 20100466, 22789865, 7551830, 16088929, 1832817 and 2973311. Classification of NM_000520.4(HEXA):c.533G>A(R178H) is based on the following criteria: This is a well-established pathogenic variant in the literature that has been observed more frequently in patients with clinical diagnoses than in healthy populations. Please note: this variant was assessed in the context of healthy population screening.

Cytogénomique, Hospices Civils de Lyon
Classification: Pathogenic for Global developmental delay. Last evaluated: 2019-11-01. Review status: criteria provided, single submitter. Criteria: ACMG Guidelines, 2015. Collection method: clinical testing. Allele origin: germline. Affected: yes.

Mendelics
Classification: Pathogenic for Tay-Sachs disease. Last evaluated: 2019-05-28. Review status: criteria provided, single submitter. Criteria: Mendelics Assertion Criteria 2017. Collection method: clinical testing. Allele origin: unknown.

Eurofins Ntd Llc (ga)
Classification: Pathogenic. Last evaluated: 2017-12-04. Review status: criteria provided, single submitter. Criteria: EGL Classification Definitions 2015. Collection method: clinical testing. Allele origin: germline. Observed: 4 variant alleles, 4 heterozygotes.

Institute of Human Genetics Munich, TUM University Hospital
Classification: Pathogenic for Tay-Sachs disease. Last evaluated: 2017-11-08. Review status: criteria provided, single submitter. Criteria: Classification criteria August 2017. Collection method: clinical testing. Allele origin: paternal. Inheritance: Autosomal recessive inheritance. Affected: yes. Observed: 1 compound heterozygote.

Equipe Genetique des Anomalies du Developpement, Université de Bourgogne
Classification: Pathogenic for Tay-Sachs disease. Last evaluated: 2017-08-07. Review status: criteria provided, single submitter. Criteria: ACMG Guidelines, 2015. Collection method: clinical testing. Allele origin: unknown. Affected: yes. Study: Clinvar_gadteam_Clinical_exome_analysis_3.

Women's Health and Genetics/Laboratory Corporation of America, LabCorp
Classification: Pathogenic for Tay-Sachs disease. Last evaluated: 2017-01-16. Review status: criteria provided, single submitter. Criteria: LabCorp Variant Classification Summary - May 2015. Collection method: clinical testing. Allele origin: germline.
Comment: Variant summary: The HEXA c.533G>A (p.Arg178His) variant involves the alteration of a conserved nucleotide. 5/5 in silico tools predict a damaging outcome for this variant. This variant was found in 8/120572 control chromosomes at a frequency of 0.0000664, which does not exceed the estimated maximal expected allele frequency of a pathogenic HEXA variant (0.0013975). This variant has been reported in many TSD patients both as homozygotes and compound heterozygotes. This variant was shown to be associated with milder phenotype and later onset of disease. Structural studies showed codon R178 to be critical for substrate binding and the reaction intermediates, and R178H is predicted to affect the active site pocket. The effect is lager in R178L and R178C than in R178H, which could explain the difference in clinical phenotype (Ohno_2008). The fact that variants R178L, R178L, and R178H have been reported to be associated with TSD suggest the functional important of this codon. In addition, multiple clinical diagnostic laboratories/reputable databases classified this variant as pathogenic. Taken together, this variant is classified as pathogenic.

Neuberg Centre For Genomic Medicine, NCGM
Classification: Likely pathogenic for Tay-Sachs disease. Review status: criteria provided, single submitter. Criteria: ACMG Guidelines, 2015. Collection method: clinical testing. Allele origin: germline. Inheritance: Autosomal recessive inheritance. Affected: yes.
Comment: The missense variant p.R178H in HEXA (NM_000520.6) causes the same amino acid change as a previously established pathogenic variant. The R178H variant in the HEXA gene has previously been reported in association with the B1 variant phenotype of TaySachs disease, and is a common pathogenic variant in the Portuguese population (dos Santos et al., 1991). The p.R178H variant is observed in 4/34,556 (0.0116%) alleles from individuals of Latino background in gnomAD Exomes and in 1/1,006 (0.0994%) alleles from individuals of European background in 1000 Genomes. The p.R178H missense variant is predicted to be damaging by both SIFT and PolyPhen2. The arginine residue at codon 178 of HEXA is conserved in all mammalian species. The nucleotide c.533 in HEXA is predicted conserved by GERP++ and PhyloP across 100 vertebrates. Structural analysis of the alpha-subunit of beta-hexosaminidase indicated that the Arginine residue at position 178 is critical for substrate binding. For these reasons, this variant has been classified as Pathogenic.

Rady Children's Institute for Genomic Medicine, Rady Children's Hospital San Diego
Classification: Pathogenic for Hexosaminidase A deficiency. Review status: criteria provided, single submitter. Criteria: ACMG Guidelines, 2015. Collection method: clinical testing. Allele origin: germline. Affected: yes.
Comment: This variant has been previously reported in patients with Hexosaminidase A deficiency (PMID: 22789865, 1832817). Missense variation is an established mechanism of disease for HEXA-related disorders (HGMD). The c.533G>A (p.Arg178His) variant is present in the heterozygous state in the gnomAD population database at a frequency of 0.005% (12/251014) and thus is presumed to be rare. The c.533G>A (p.Arg178His) variant affects a highly conserved amino acid and is predicted by multiple in silico tools to have a deleterious effect on protein function. Based on the available evidence, the c.533G>A (p.Arg178His) variant is classified as Pathogenic.

OMIM
Classification: Pathogenic for TAY-SACHS DISEASE, B1 VARIANT. Last evaluated: 1992-04-01. Review status: no assertion criteria provided. Collection method: literature only. Allele origin: germline. Not counted in ClinVar's aggregate classification.

OMIM
Classification: Pathogenic for HEXA, DN ALLELE. Last evaluated: 1992-04-01. Review status: no assertion criteria provided. Collection method: literature only. Allele origin: germline. Not counted in ClinVar's aggregate classification.

Literature cited by the submitters: PubMed 33240792 (cited by Ambry Genetics); PubMed 33258288 (cited by Ambry Genetics); PubMed 34540776 (cited by Ambry Genetics); PubMed 34712575 (cited by Ambry Genetics); PubMed 1832817 (cited by 4 submitters); PubMed 2961848 (cited by 6 submitters); PubMed 16088929 (cited by 6 submitters); PubMed 17015493 (cited by 4 submitters); PubMed 22441121 (cited by 3 submitters); PubMed 22789865 (cited by 4 submitters); PubMed 1831451 (cited by 3 submitters); PubMed 1833974 (cited by 3billion); PubMed 8730294 (cited by 3 submitters); PubMed 2137287 (cited by OLLIN Analises Genomicas, OLLIN); PubMed 18490185 (cited by Dasa and Women's Health and Genetics/Laboratory Corporation of America, LabCorp); PubMed 7551830 (cited by Dasa and Myriad Genetics, Inc.); PubMed 1318511 (cited by Dasa and OMIM); PubMed 20301350 (cited by Dasa); PubMed 23359698 (cited by Dasa); PubMed 24953648 (cited by Dasa); PubMed 25041270 (cited by Dasa); PubMed 28359061 (cited by Dasa); PubMed 20100466 (cited by Myriad Genetics, Inc.); PubMed 2973311 (cited by Myriad Genetics, Inc. and OMIM); PubMed 2521932 (cited by OMIM).